The following is an entry in ClinVar:

ClinVar aggregate classification (germline): Likely benign. Review status: criteria provided, multiple submitters, no conflicts (2 of 4 stars). 2 submissions from 2 submitters: Likely benign (2). Last evaluated 2024-09-18.

Conditions:
Hereditary diffuse gastric adenocarcinoma (HDGC). Also called: DIFFUSE GASTRIC AND LOBULAR BREAST CANCER SYNDROME. Identifiers: Orphanet 26106, MedGen C1708349, MONDO:0007648, OMIM 137215.

Allele frequency attached by ClinVar (database versions not stated): gnomAD exomes below 0.00001; TOPMed below 0.00001; gnomAD 0.00001.

Submissions (2):

Myriad Genetics, Inc.
Classification: Likely benign for Hereditary diffuse gastric adenocarcinoma. Last evaluated: 2024-09-18. Review status: criteria provided, single submitter. Criteria: Myriad Autosomal Dominant, Autosomal Recessive and X-Linked Classification Criteria (2023). Collection method: clinical testing. Allele origin: unknown.
Comment: This variant is considered likely benign. This variant is intronic and is not expected to impact mRNA splicing.

Labcorp Genetics (formerly Invitae), Labcorp
Classification: Likely benign for Hereditary diffuse gastric adenocarcinoma. Last evaluated: 2021-01-25. Review status: criteria provided, single submitter. Criteria: Invitae Variant Classification Sherloc (09022015). Collection method: clinical testing. Allele origin: germline.

NM_004360.5(CDH1):c.1320+9G>A

Gene: CDH1 (cadherin 1; plus strand). Cytogenetic location: 16q22.1.
Variant type: single nucleotide variant.
Coding change: c.1320+9G>A on transcript NM_004360.5 (MANE Select); 9 bases into the intron after coding-DNA position 1320, G replaced by A.
Molecular consequence: intron variant. On other transcripts: 5 prime UTR variant (1).
Genome position (GRCh38, 1-based): chr16:68,813,504, G>A. VCF-style: chr16-68813504-G-A. GRCh37 (hg19) VCF-style: chr16-68847407-G-A.
Other names: c.-287G>A (NM_001317185.2); c.-500+9G>A (NM_001317186.2); c.1137+1241G>A (NM_001317184.2).
Identifiers: ClinVar variation 1672491 (VCV001672491.9), dbSNP rs1276697924, ClinGen allele CA396462008.